The following is an entry in ClinVar:

ClinVar aggregate classification (germline): Uncertain significance (1 of 4 stars; one submission).

Submission:

Labcorp Genetics (formerly Invitae), Labcorp
Classification: Uncertain significance. Last evaluated: 2021-02-09. Review status: criteria provided, single submitter. Criteria: Invitae Variant Classification Sherloc (09022015). Collection method: clinical testing. Allele origin: germline.
Comment: In summary, the available evidence is currently insufficient to determine the role of this variant in disease. Therefore, it has been classified as a Variant of Uncertain Significance. Algorithms developed to predict the effect of missense changes on protein structure and function are either unavailable or do not agree on the potential impact of this missense change (SIFT: "Deleterious"; PolyPhen-2: "Probably Damaging"; Align-GVGD: "Class C0"). This variant has not been reported in the literature in individuals with HSPG2-related conditions. This variant is not present in population databases (ExAC no frequency). This sequence change replaces cysteine with tryptophan at codon 1582 of the HSPG2 protein (p.Cys1582Trp). The cysteine residue is highly conserved and there is a large physicochemical difference between cysteine and tryptophan.

NM_005529.7(HSPG2):c.4746C>G (p.Cys1582Trp)

Gene: HSPG2 (heparan sulfate proteoglycan 2; minus strand). Cytogenetic location: 1p36.12.
Variant type: single nucleotide variant.
Coding change: c.4746C>G on transcript NM_005529.7 (MANE Select); coding-DNA position 4746, C replaced by G.
Protein change: p.Cys1582Trp; replaces cysteine 1582 with tryptophan.
Molecular consequence: missense variant.
Genome position (GRCh38, 1-based): chr1:21,862,110, G>C on the plus strand (C>G on the coding strand, the complement: HSPG2 is on the minus strand). VCF-style: chr1-21862110-G-C. GRCh37 (hg19) VCF-style: chr1-22188603-G-C.
Other names: c.4749C>G, p.Cys1583Trp (NM_001291860.2); short protein forms C1582W, C1583W.
Identifiers: ClinVar variation 1052443 (VCV001052443.9), dbSNP rs2152732179, ClinGen allele CA338951467.